The following is an entry in ClinVar:

ClinVar aggregate classification (germline): Likely benign. Review status: criteria provided, multiple submitters, no conflicts (2 of 4 stars). 2 submissions from 2 submitters: Likely benign (2). Last evaluated 2025-02-16.

Allele frequency attached by ClinVar (database versions not stated): TOPMed 0.00063; gnomAD 0.00068; 1000 Genomes Project 30x 0.00109; 1000 Genomes Project 0.00120.

Submissions (2):

Laboratory of Genetics, Children's Clinical University Hospital Latvia
Classification: Likely benign. Last evaluated: 2025-02-16. Review status: criteria provided, single submitter. Criteria: ACMG Guidelines, 2015. Collection method: clinical testing. Allele origin: germline. Affected: yes.

CeGaT Center for Human Genetics Tuebingen
Classification: Likely benign. Last evaluated: 2023-05-01. Review status: criteria provided, single submitter. Criteria: CeGaT Center For Human Genetics Tuebingen Variant Classification Criteria Version 2. Collection method: clinical testing. Allele origin: germline. Affected: yes. Observed: 2 variant alleles.
Comment: PPP2R1A: BS1

NM_014225.6(PPP2R1A):c.79-1669G>A

Gene: PPP2R1A (protein phosphatase 2 scaffold subunit Aalpha; plus strand). Cytogenetic location: 19q13.41.
Variant type: single nucleotide variant.
Coding change: c.79-1669G>A on transcript NM_014225.6 (MANE Select); 1669 bases into the intron before coding-DNA position 79, G replaced by A.
Molecular consequence: intron variant.
Genome position (GRCh38, 1-based): chr19:52,200,275, G>A. VCF-style: chr19-52200275-G-A. GRCh37 (hg19) VCF-style: chr19-52703528-G-A.
Identifiers: ClinVar variation 2650384 (VCV002650384.25), dbSNP rs189657964, ClinGen allele CA9621242.